The following is an entry in ClinVar:

NM_000053.4(ATP7B):c.4114C>T (p.Gln1372Ter)

Gene: ATP7B (ATPase copper transporting beta; minus strand). Cytogenetic location: 13q14.3.
Variant type: single nucleotide variant.
Coding change: c.4114C>T on transcript NM_000053.4 (MANE Select); coding-DNA position 4114, C replaced by T.
Protein change: p.Gln1372Ter; replaces glutamine 1372 with a stop codon.
Molecular consequence: nonsense.
Genome position (GRCh38, 1-based): chr13:51,935,603, G>A on the plus strand (C>T on the coding strand, the complement: ATP7B is on the minus strand). VCF-style: chr13-51935603-G-A. GRCh37 (hg19) VCF-style: chr13-52509739-G-A.
Other names: c.3493C>T, p.Gln1165Ter (NM_001005918.3); c.3781C>T, p.Gln1261Ter (NM_001243182.2); c.3880C>T, p.Gln1294Ter (NM_001330578.2); c.3862C>T, p.Gln1288Ter (NM_001330579.2); short protein forms Q1372*, Q1294*, Q1261*, Q1288*, Q1165*.
Identifiers: ClinVar variation 371170 (VCV000371170.14), dbSNP rs755584106, ClinGen allele CA6988488.
Genomic context (GRCh38, chr13:51,935,603, plus strand): 5'-ACAAGGCCTCCTGGGAGCCTCCCACAGATGCTCCACCTGAGGGGACTCACCACTTGAGCT[G>A]CAGGGATGAGAGCACCACAGACACAGAGGAGGCTGCCATGGCCGCTGAGCCCATCCAGGG-3'

ClinVar aggregate classification (germline): Pathogenic. Review status: criteria provided, multiple submitters, no conflicts (2 of 4 stars). 7 submissions from 7 submitters: Pathogenic (6). 1 of the submissions does not count toward it. Last evaluated 2025-08-21.

Conditions:
Wilson disease (WND). Also called: Wilson's disease. Identifiers: Orphanet 905, MedGen C0019202, MONDO:0010200, OMIM 277900. Disease mechanism: loss of function.

Allele frequency attached by ClinVar (database versions not stated): ExAC 0.00001.

Submissions (7):

Natera, Inc.
Classification: Pathogenic for Wilson disease. Last evaluated: 2025-08-21. Review status: criteria provided, single submitter. Criteria: Natera Variant Classification Schema (03/2026). Collection method: clinical testing. Allele origin: germline.
Comment: The c.4114C>T variant in ATP7B is a nonsense variant predicted to introduce a stop codon at amino acid 1372. This variant is expected to result in nonsense mediated decay, truncation, or a dysfunctional protein product. This variant is rare in the general population with a frequency below the threshold expected for the associated phenotype(s). This variant has been observed in one or more individuals affected with the associated recessive disease, as either homozygous or compound heterozygous with a second variant (PMID: 34324271). Given the available evidence, this variant is classified as Pathogenic.

Fulgent Genetics
Classification: Pathogenic for Wilson disease. Last evaluated: 2024-06-19. Review status: criteria provided, single submitter. Criteria: ACMG Guidelines, 2015. Collection method: clinical testing. Allele origin: germline.

Labcorp Genetics (formerly Invitae), Labcorp
Classification: Pathogenic for Wilson disease. Last evaluated: 2024-05-05. Review status: criteria provided, single submitter. Criteria: Invitae Variant Classification Sherloc (09022015). Collection method: clinical testing. Allele origin: germline.
Comment: This sequence change creates a premature translational stop signal (p.Gln1372*) in the ATP7B gene. While this is not anticipated to result in nonsense mediated decay, it is expected to disrupt the last 94 amino acid(s) of the ATP7B protein. This variant is present in population databases (rs755584106, gnomAD 0.006%). This premature translational stop signal has been observed in individual(s) with Wilson disease (PMID: 27398169, 30884209). In at least one individual the data is consistent with being in trans (on the opposite chromosome) from a pathogenic variant. ClinVar contains an entry for this variant (Variation ID: 371170). This variant disrupts a region of the ATP7B protein in which other variant(s) (p.Arg1459Glyfs*2) have been determined to be pathogenic (PMID: 26799313). This suggests that this is a clinically significant region of the protein, and that variants that disrupt it are likely to be disease-causing. For these reasons, this variant has been classified as Pathogenic.

Chongqing Key Laboratory of Child Rare Diseases in Infection and Immunity, Children’s Hospital of Chongqing Medical University
Classification: Pathogenic for Wilson disease. Last evaluated: 2024-01-01. Review status: criteria provided, single submitter. Criteria: ACMG Guidelines, 2015. Collection method: clinical testing. Allele origin: germline. Inheritance: Autosomal recessive inheritance. Affected: yes.
Comment: Classified as Pathogenic according to the ACMG/AMP 2015 guidelines (PMID:25741868). The classification was based on the available submitted evidence for Wilson disease (OMIM:277900), including clinical-testing observations, variant consequence/protein annotation, and published or ClinVar evidence where available. Supporting information considered: variant annotation: p.Gln1372Ter; Nonsense; Protein domain: C-ter tail; submitted notation: NM_000053.4:c.4114C>T (p.Gln1372Ter); source variant type: Nonsense; source domain: C-ter tail; allele count n=230: 1.

Baylor Genetics
Classification: Pathogenic for Wilson disease. Last evaluated: 2021-11-29. Review status: criteria provided, single submitter. Criteria: ACMG Guidelines, 2015. Collection method: clinical testing. Allele origin: unknown.

Genome-Nilou Lab
Classification: Pathogenic for Wilson disease. Last evaluated: 2021-08-10. Review status: criteria provided, single submitter. Criteria: ACMG Guidelines, 2015. Collection method: clinical testing. Allele origin: germline. Affected: no.

Counsyl
Classification: Pathogenic for Wilson disease. Last evaluated: 2016-07-22. Review status: no assertion criteria provided. Collection method: clinical testing. Allele origin: unknown. Not counted in ClinVar's aggregate classification.

Literature cited by the submitters: PubMed 34324271 (cited by Natera, Inc.); PubMed 27398169 (cited by Labcorp Genetics (formerly Invitae), Labcorp and Counsyl); PubMed 30884209 (cited by Labcorp Genetics (formerly Invitae), Labcorp); PubMed 26799313 (cited by Labcorp Genetics (formerly Invitae), Labcorp); PubMed 25525159 (cited by Counsyl); PubMed 21034864 (cited by Counsyl).